The following is an entry in ClinVar:

ClinVar aggregate classification (germline): Likely benign. Review status: criteria provided, single submitter (1 of 4 stars). 2 submissions from 2 submitters: Likely benign (1). 1 of the submissions does not count toward it. Last evaluated 2025-04-13.

Conditions:
COL6A1-related disorder. Also called: COL6A1-related condition.
Bethlem myopathy 1A. Also called: MYOPATHY, BENIGN CONGENITAL, WITH CONTRACTURES; Bethlem Muscular Dystrophy; Bethlem myopathy 1. Identifiers: Orphanet 610, MedGen CN029274, MONDO:0024530, OMIM 158810.

gnomAD v4.1: 2 of 1,612,080 alleles (0.00012%); highest among the groups gnomAD compares: East Asian, 0.0022%; no homozygotes.

Submissions (2):

Labcorp Genetics (formerly Invitae), Labcorp
Classification: Likely benign for Bethlem myopathy 1A. Last evaluated: 2025-04-13. Review status: criteria provided, single submitter. Criteria: Invitae Variant Classification Sherloc (09022015). Collection method: clinical testing. Allele origin: germline.

PreventionGenetics, part of Exact Sciences
Classification: Likely benign for COL6A1-related condition. Last evaluated: 2024-03-11. Review status: no assertion criteria provided. Collection method: clinical testing. Allele origin: germline. Not counted in ClinVar's aggregate classification.
Comment: This variant is classified as likely benign based on ACMG/AMP sequence variant interpretation guidelines (Richards et al. 2015 PMID: 25741868, with internal and published modifications).

NM_001848.3(COL6A1):c.1525-4C>T

Gene: COL6A1 (collagen type VI alpha 1 chain; plus strand). Cytogenetic location: 21q22.3.
Variant type: single nucleotide variant.
Coding change: c.1525-4C>T on transcript NM_001848.3 (MANE Select); 4 bases into the intron before coding-DNA position 1525, C replaced by T.
Molecular consequence: intron variant.
Genome position (GRCh38, 1-based): chr21:45,998,117, C>T. VCF-style: chr21-45998117-C-T. GRCh37 (hg19) VCF-style: chr21-47418031-C-T.
Identifiers: ClinVar variation 3351862 (VCV003351862.2).